The following is an entry in ClinVar:

ClinVar aggregate classification (germline): Likely pathogenic (1 of 4 stars; one submission).

Conditions:
Primary hyperoxaluria type 3. Also called: PH III. Identifiers: Orphanet 416, Orphanet 93600, MedGen C3150878, MONDO:0013327, OMIM 613616. Disease mechanism: loss of function.

Allele frequency attached by ClinVar (database versions not stated): gnomAD exomes below 0.00001.
gnomAD v4.1: 1 of 1,614,218 alleles (0.000062%); highest among the groups gnomAD compares: Non-Finnish European, 0.000085%; no homozygotes.

Submission:

Rare Kidney Stone Consortium and the Mayo Clinic Hyperoxaluria Center, Mayo Clinic
Classification: Likely pathogenic for Primary hyperoxaluria type 3. Last evaluated: 2023-10-27. Review status: criteria provided, single submitter. Criteria: ACMG Guidelines, 2015. Collection method: clinical testing. Allele origin: germline. Affected: yes.
Comment: ACMG:PM1 PM2 PP3 PP4

Literature cited by the submitters: PubMed 34805638.

NM_138413.4(HOGA1):c.212G>T (p.Gly71Val)

Gene: HOGA1 (4-hydroxy-2-oxoglutarate aldolase 1; plus strand). Cytogenetic location: 10q24.2.
Variant type: single nucleotide variant.
Coding change: c.212G>T on transcript NM_138413.4 (MANE Select); coding-DNA position 212, G replaced by T.
Protein change: p.Gly71Val; replaces glycine 71 with valine.
Molecular consequence: missense variant. On other transcripts: intron variant (1).
Genome position (GRCh38, 1-based): chr10:97,598,775, G>T. VCF-style: chr10-97598775-G-T. GRCh37 (hg19) VCF-style: chr10-99358532-G-T.
Other names: c.212-3082G>T (NM_001134670.2); short protein forms G71V.
Identifiers: ClinVar variation 2664099 (VCV002664099.1), dbSNP rs2041090208, ClinGen allele CA377976672.
Genomic context (GRCh38, chr10:97,598,775, plus strand): 5'-CCAATGTCCTAGTTGTTCGGTAGAGGATGGGAAGGAGTTAGTCAGCTGTGTCTCTTGCAG[G>T]CTTCGTGGTCCAGGGCTCCAATGGCGAGTTTCCTTTCCTGACCAGCAGTGAGCGCCTCGA-3'
Protein context (NP_612422.2, residues 61-81): LHKLGTFPFR[Gly71Val]FVVQGSNGEF